The following is an entry in ClinVar:

NM_005902.4(SMAD3):c.788C>G (p.Pro263Arg)

Gene: SMAD3 (SMAD family member 3; plus strand). Cytogenetic location: 15q22.33.
Variant type: single nucleotide variant.
Coding change: c.788C>G on transcript NM_005902.4 (MANE Select); coding-DNA position 788, C replaced by G.
Protein change: p.Pro263Arg; replaces proline 263 with arginine.
Molecular consequence: missense variant.
Genome position (GRCh38, 1-based): chr15:67,181,370, C>G. VCF-style: chr15-67181370-C-G. GRCh37 (hg19) VCF-style: chr15-67473708-C-G.
Other names: p.P263R:CCC>CGC; c.473C>G, p.Pro158Arg (NM_001145102.2); c.656C>G, p.Pro219Arg (NM_001145103.2); c.203C>G, p.Pro68Arg (NM_001145104.2); short protein forms P263R, P68R, P158R, P219R.
Identifiers: ClinVar variation 213765 (VCV000213765.9), dbSNP rs387906855, ClinGen allele CA323542.
Genomic context (GRCh38, chr15:67,181,370, plus strand): 5'-GCGTCGGGGAGACATTCCACGCCTCGCAGCCATCCATGACTGTGGATGGCTTCACCGACC[C>G]CTCCAATTCGGAGCGCTTCTGCCTAGGGCTGCTCTCCAATGTCAACAGGAATGCAGCAGT-3'
Protein context (NP_005893.1, residues 253-273): PSMTVDGFTD[Pro263Arg]SNSERFCLGL

ClinVar aggregate classification (germline): Conflicting classifications of pathogenicity. Review status: criteria provided, conflicting classifications (1 of 4 stars). 2 submissions from 2 submitters: Likely pathogenic (1); Uncertain significance (1). Last evaluated 2023-02-01.

Conditions:
Familial thoracic aortic aneurysm and aortic dissection (TAAD). Also called: Thoracic aortic aneurysms and dissections. Identifiers: Orphanet 91387, MedGen C4707243, MONDO:0019625.

Submissions (2):

Labcorp Genetics (formerly Invitae), Labcorp
Classification: Likely pathogenic for Familial thoracic aortic aneurysm and aortic dissection. Last evaluated: 2023-02-01. Review status: criteria provided, single submitter. Criteria: Invitae Variant Classification Sherloc (09022015). Collection method: clinical testing. Allele origin: germline.
Comment: In summary, the currently available evidence indicates that the variant is pathogenic, but additional data are needed to prove that conclusively. Therefore, this variant has been classified as Likely Pathogenic. This variant disrupts the p.Pro263 amino acid residue in SMAD3. Other variant(s) that disrupt this residue have been observed in individuals with SMAD3-related conditions (PMID: 22167769, 30661052), which suggests that this may be a clinically significant amino acid residue. Advanced modeling of protein sequence and biophysical properties (such as structural, functional, and spatial information, amino acid conservation, physicochemical variation, residue mobility, and thermodynamic stability) performed at Invitae indicates that this missense variant is expected to disrupt SMAD3 protein function. ClinVar contains an entry for this variant (Variation ID: 213765). This missense change has been observed in individual(s) with SMAD3-related conditions (PMID: 30661052; Invitae). This variant is not present in population databases (gnomAD no frequency). This sequence change replaces proline, which is neutral and non-polar, with arginine, which is basic and polar, at codon 263 of the SMAD3 protein (p.Pro263Arg).

GeneDx
Classification: Uncertain significance. Last evaluated: 2016-09-14. Review status: criteria provided, single submitter. Criteria: GeneDx Variant Classification (06012015). Collection method: clinical testing. Allele origin: germline. Affected: yes.
Comment: p.Pro263Arg (CCC>CGC): c.788 C>G in exon 6 of the SMAD3 gene (NM_005902.3). While the Pro263Arg mutation in the SMAD3 gene has not been reported to our knowledge, a pathogenic variant affecting this same codon, Pro263Leu, has been reported in association with TAAD (van de Laar I et al., 2012). Additionally, pathogenic variants in nearby residues (Thr261Ile, Arg279Lys) have been reported in association with TAAD, further supporting the functional importance of this codon and this region of the protein. Pro263Arg results in a non-conservative amino acid substitution of a non-polar Proline with a positively charged Arginine at a position that is conserved across species. In silico analysis predicts Pro263Arg is damaging to the protein structure/function. Furthermore, Pro263Arg was not observed in approximately 6,500 individuals of European and African American ancestry in the NHLBI Exome Sequencing Project, indicating it is not a common benign variant in these populations. This variant was found in TAAD

Literature cited by the submitters: PubMed 22167769 (cited by Labcorp Genetics (formerly Invitae), Labcorp); PubMed 30661052 (cited by Labcorp Genetics (formerly Invitae), Labcorp).